The following is an entry in ClinVar:

NM_181705.4(LYRM7):c.246A>T (p.Lys82Asn)

Gene: LYRM7 (LYR motif containing 7; plus strand). Cytogenetic location: 5q23.3.
Variant type: single nucleotide variant.
Coding change: c.246A>T on transcript NM_181705.4 (MANE Select); coding-DNA position 246, A replaced by T.
Protein change: p.Lys82Asn; replaces lysine 82 with asparagine.
Molecular consequence: missense variant. On other transcripts: non-coding transcript variant (1).
Genome position (GRCh38, 1-based): chr5:131,199,532, A>T. VCF-style: chr5-131199532-A-T. GRCh37 (hg19) VCF-style: chr5-130535225-A-T.
Other names: c.164A>T, p.Asn55Ile (NM_001293735.2); c.246A>T (NM_181705.2); short protein forms K82N, N55I.
Identifiers: ClinVar variation 4088170 (VCV004088170.1).

ClinVar aggregate classification (germline): Uncertain significance. Review status: criteria provided, multiple submitters, no conflicts (2 of 4 stars). 2 submissions from 2 submitters: Uncertain significance (2). Last evaluated 2025-08-02.

Conditions:
Inborn genetic diseases. Identifiers: MedGen C0950123, MeSH D030342.

gnomAD v4.1: 28 of 1,590,236 alleles (0.0018%); highest among the groups gnomAD compares: Middle Eastern, 0.034%; no homozygotes.

Submissions (2):

Ambry Genetics
Classification: Uncertain significance for Inborn genetic diseases. Last evaluated: 2025-08-02. Review status: criteria provided, single submitter. Criteria: Ambry Variant Classification Scheme 2023. Collection method: clinical testing. Allele origin: germline.

GeneDx
Classification: Uncertain significance. Last evaluated: 2025-03-25. Review status: criteria provided, single submitter. Criteria: GeneDx Variant Classification Process June 2021. Collection method: clinical testing. Allele origin: germline. Affected: yes.
Comment: In silico analysis indicates that this missense variant does not alter protein structure/function; Has not been previously published as pathogenic or benign to our knowledge